The following is an entry in ClinVar:

NM_024408.4(NOTCH2):c.782T>G (p.Ile261Ser)

Gene: NOTCH2 (notch receptor 2; minus strand). Cytogenetic location: 1p12.
Variant type: single nucleotide variant.
Coding change: c.782T>G on transcript NM_024408.4 (MANE Select); coding-DNA position 782, T replaced by G.
Protein change: p.Ile261Ser; replaces isoleucine 261 with serine.
Molecular consequence: missense variant.
Genome position (GRCh38, 1-based): chr1:119,987,052, A>C on the plus strand (T>G on the coding strand, the complement: NOTCH2 is on the minus strand). VCF-style: chr1-119987052-A-C. GRCh37 (hg19) VCF-style: chr1-120529675-A-C.
Other names: c.782T>G, p.Ile261Ser (NM_001200001.2); short protein forms I261S.
Identifiers: ClinVar variation 591665 (VCV000591665.6), dbSNP rs1202374604, ClinGen allele CA341887740.

ClinVar aggregate classification (germline): Uncertain significance. Review status: criteria provided, single submitter (1 of 4 stars). 2 submissions from 2 submitters: Uncertain significance (1). 1 of the submissions does not count toward it. Last evaluated 2024-01-19.

Conditions:
Hajdu-Cheney syndrome (HJCYS). Also called: Acroosteolysis dominant type; ACROOSTEOLYSIS WITH OSTEOPOROSIS AND CHANGES IN SKULL AND MANDIBLE; SERPENTINE FIBULA-POLYCYSTIC KIDNEY SYNDROME. Identifiers: Orphanet 955, MedGen C0917715, MONDO:0007057, OMIM 102500.

Allele frequency attached by ClinVar (database versions not stated): TOPMed below 0.00001.

Submissions (2):

Labcorp Genetics (formerly Invitae), Labcorp
Classification: Uncertain significance for Hajdu-Cheney syndrome. Last evaluated: 2024-01-19. Review status: criteria provided, single submitter. Criteria: Invitae Variant Classification Sherloc (09022015). Collection method: clinical testing. Allele origin: germline.
Comment: This sequence change replaces isoleucine, which is neutral and non-polar, with serine, which is neutral and polar, at codon 261 of the NOTCH2 protein (p.Ile261Ser). This variant is not present in population databases (gnomAD no frequency). This variant has not been reported in the literature in individuals affected with NOTCH2-related conditions. ClinVar contains an entry for this variant (Variation ID: 591665). Advanced modeling of protein sequence and biophysical properties (such as structural, functional, and spatial information, amino acid conservation, physicochemical variation, residue mobility, and thermodynamic stability) performed at Invitae indicates that this missense variant is expected to disrupt NOTCH2 protein function with a positive predictive value of 95%. In summary, the available evidence is currently insufficient to determine the role of this variant in disease. Therefore, it has been classified as a Variant of Uncertain Significance.

Gharavi Laboratory, Columbia University
Classification: Uncertain significance. Last evaluated: 2018-09-16. Review status: no assertion criteria provided. Criteria: ACMG Guidelines, 2015. Collection method: research. Allele origin: germline. Affected: yes. Not counted in ClinVar's aggregate classification.